The following is an entry in ClinVar:

ClinVar aggregate classification (germline): Uncertain significance (1 of 4 stars; one submission).

Submission:

Ambry Genetics
Classification: Uncertain significance. Last evaluated: 2024-10-27. Review status: criteria provided, single submitter. Criteria: Ambry Variant Classification Scheme 2023. Collection method: clinical testing. Allele origin: germline.
Comment: The p.E29V variant (also known as c.86A>T), located in coding exon 1 of the PKP4 gene, results from an A to T substitution at nucleotide position 86. The glutamic acid at codon 29 is replaced by valine, an amino acid with dissimilar properties. This amino acid position is conserved. In addition, this alteration is predicted to be deleterious by in silico analysis. Based on the available evidence, the clinical significance of this variant remains unclear.

NM_003628.6(PKP4):c.86A>T (p.Glu29Val)

Gene: PKP4 (plakophilin 4; plus strand). Cytogenetic location: 2q24.1.
Variant type: single nucleotide variant.
Coding change: c.86A>T on transcript NM_003628.6 (MANE Select); coding-DNA position 86, A replaced by T.
Protein change: p.Glu29Val; replaces glutamic acid 29 with valine.
Molecular consequence: missense variant. On other transcripts: 5 prime UTR variant (1).
Genome position (GRCh38, 1-based): chr2:158,533,270, A>T. VCF-style: chr2-158533270-A-T. GRCh37 (hg19) VCF-style: chr2-159389782-A-T.
Other names: c.86A>T, p.Glu29Val (NM_001005476.4, NM_001304969.3, NM_001304971.2 and 9 more transcripts); c.-864A>T (NM_001304970.3); short protein forms E29V.
Identifiers: ClinVar variation 3419614 (VCV003419614.1).
Genomic context (GRCh38, chr2:158,533,270, plus strand): 5'-TGGTGGAGGAGGGGCAACCACAGACCCGCCAGGAAGCTGCCTCCACTGGCCCAGGCATGG[A>T]ACCCGAGACCACAGCCACCACTATTCTAGCATCCGTGAAGGAGCAGGTACATCCTCGTAT-3'
Protein context (NP_003619.2, residues 19-39): QEAASTGPGM[Glu29Val]PETTATTILA